The following is an entry in ClinVar:

ClinVar aggregate classification (germline): Uncertain significance (1 of 4 stars; one submission).

Allele frequency attached by ClinVar (database versions not stated): gnomAD exomes below 0.00001.
gnomAD v4.1: 1 of 1,614,060 alleles (0.000062%); highest among the groups gnomAD compares: East Asian, 0.0022%; no homozygotes.

Submission:

Labcorp Genetics (formerly Invitae), Labcorp
Classification: Uncertain significance. Last evaluated: 2022-08-23. Review status: criteria provided, single submitter. Criteria: Invitae Variant Classification Sherloc (09022015). Collection method: clinical testing. Allele origin: germline.
Comment: Algorithms developed to predict the effect of missense changes on protein structure and function (SIFT, PolyPhen-2, Align-GVGD) all suggest that this variant is likely to be disruptive. This sequence change replaces proline, which is neutral and non-polar, with leucine, which is neutral and non-polar, at codon 4161 of the USH2A protein (p.Pro4161Leu). This variant is not present in population databases (gnomAD no frequency). This variant has not been reported in the literature in individuals affected with USH2A-related conditions. In summary, the available evidence is currently insufficient to determine the role of this variant in disease. Therefore, it has been classified as a Variant of Uncertain Significance.

NM_206933.4(USH2A):c.12482C>T (p.Pro4161Leu)

Gene: USH2A (usherin; minus strand). Cytogenetic location: 1q41.
Variant type: single nucleotide variant.
Coding change: c.12482C>T on transcript NM_206933.4 (MANE Select); coding-DNA position 12482, C replaced by T.
Protein change: p.Pro4161Leu; replaces proline 4161 with leucine.
Molecular consequence: missense variant.
Genome position (GRCh38, 1-based): chr1:215,675,429, G>A on the plus strand (C>T on the coding strand, the complement: USH2A is on the minus strand). VCF-style: chr1-215675429-G-A. GRCh37 (hg19) VCF-style: chr1-215848771-G-A.
Other names: short protein forms P4161L.
Identifiers: ClinVar variation 2122295 (VCV002122295.2), dbSNP rs2464900293, ClinGen allele CA344850805.